The following is an entry in ClinVar:

ClinVar aggregate classification (germline): Conflicting classifications of pathogenicity. Review status: criteria provided, conflicting classifications (1 of 4 stars). 2 submissions from 2 submitters: Uncertain significance (1); Likely benign (1). Last evaluated 2025-03-26.

Conditions:
Hereditary cancer-predisposing syndrome. Also called: Neoplastic Syndromes, Hereditary; Tumor predisposition; Hereditary Cancer Syndrome; Hereditary neoplastic syndrome. Identifiers: Orphanet 140162, MedGen C0027672, MeSH D009386, MONDO:0015356.
Oligodontia-cancer predisposition syndrome. Also called: TOOTH AGENESIS-COLORECTAL CANCER SYNDROME. Identifiers: Orphanet 300576, MedGen C1837750, MONDO:0012075, OMIM 608615. Disease mechanism: loss of function.

Allele frequency attached by ClinVar (database versions not stated): ESP Exome Variant Server 0.00008.
gnomAD v4.1: 9 of 1,586,246 alleles (0.00057%); highest among the groups gnomAD compares: Non-Finnish European, 0.00017%; no homozygotes.

Submissions (2):

Labcorp Genetics (formerly Invitae), Labcorp
Classification: Uncertain significance for Oligodontia-cancer predisposition syndrome. Last evaluated: 2025-03-26. Review status: criteria provided, single submitter. Criteria: Invitae Variant Classification Sherloc (09022015). Collection method: clinical testing. Allele origin: germline.
Comment: This sequence change replaces leucine, which is neutral and non-polar, with valine, which is neutral and non-polar, at codon 423 of the AXIN2 protein (p.Leu423Val). This variant is present in population databases (rs376630432, gnomAD 0.006%). This variant has not been reported in the literature in individuals affected with AXIN2-related conditions. ClinVar contains an entry for this variant (Variation ID: 1764423). Invitae Evidence Modeling of protein sequence and biophysical properties (such as structural, functional, and spatial information, amino acid conservation, physicochemical variation, residue mobility, and thermodynamic stability) indicates that this missense variant is expected to disrupt AXIN2 protein function with a positive predictive value of 80%. In summary, the available evidence is currently insufficient to determine the role of this variant in disease. Therefore, it has been classified as a Variant of Uncertain Significance.

Ambry Genetics
Classification: Likely benign for Hereditary cancer-predisposing syndrome. Last evaluated: 2024-05-08. Review status: criteria provided, single submitter. Criteria: Ambry Variant Classification Scheme 2023. Collection method: clinical testing. Allele origin: germline.

NM_004655.4(AXIN2):c.1267C>G (p.Leu423Val)

Gene: AXIN2 (axin 2; minus strand). Cytogenetic location: 17q24.1.
Variant type: single nucleotide variant.
Coding change: c.1267C>G on transcript NM_004655.4 (MANE Select); coding-DNA position 1267, C replaced by G.
Protein change: p.Leu423Val; replaces leucine 423 with valine.
Molecular consequence: missense variant.
Genome position (GRCh38, 1-based): chr17:65,537,769, G>C on the plus strand (C>G on the coding strand, the complement: AXIN2 is on the minus strand). VCF-style: chr17-65537769-G-C. GRCh37 (hg19) VCF-style: chr17-63533887-G-C.
Other names: c.1267C>G, p.Leu423Val (NM_001363813.1); short protein forms L423V.
Identifiers: ClinVar variation 1764423 (VCV001764423.8), dbSNP rs376630432, ClinGen allele CA8718694.
Genomic context (GRCh38, chr17:65,537,769, plus strand): 5'-GGTGATCGTCCAGTATCGTCTGCGGGTCTTCCTCGTAGCTGCCGGAGGGCAGTAGGGAGA[G>C]GGGGTGCTGCGTGGGCGCCCCCTCCCGCGAATTGAGTGTGAGCTCGGAGCCCTCTCTCTC-3'
Protein context (NP_004646.3, residues 413-433): SREGAPTQHP[Leu423Val]SLLPSGSYEE